The following is an entry in ClinVar:

ClinVar aggregate classification (germline): Benign/Likely benign. Review status: criteria provided, multiple submitters, no conflicts (2 of 4 stars). 10 submissions from 10 submitters: Benign (3); Likely benign (6). 1 of the submissions does not count toward it. Last evaluated 2026-07-01.

Conditions:
Cardiovascular phenotype. Identifiers: MedGen CN230736.
Spinocerebellar ataxia type 19/22 (SCA19). Also called: SPINOCEREBELLAR ATAXIA 19; SPINOCEREBELLAR ATAXIA 22. Identifiers: Orphanet 98772, MedGen C1846367, MONDO:0011819, OMIM 607346.
Primary dilated cardiomyopathy (DCM). Also called: Dilated Cardiomyopathy. Identifiers: Orphanet 217604, MedGen C0007193, MeSH D002311, MONDO:0005021, HP:0001644. Inheritance: Various modes of inheritance.
KCND3-related disorder. Also called: KCND3-related condition.

Allele frequency attached by ClinVar (database versions not stated): gnomAD 0.00011 and 0.00012; gnomAD exomes 0.00012 and 0.00058; TOPMed 0.00025; ExAC 0.00064.
gnomAD v4.1: 192 of 1,611,008 alleles (0.012%); highest among the groups gnomAD compares: Admixed American, 0.28%; 1 homozygote.

Submissions (10):

CeGaT Center for Human Genetics Tuebingen
Classification: Likely benign. Last evaluated: 2026-07-01. Review status: criteria provided, single submitter. Criteria: CeGaT Center For Human Genetics Tuebingen Variant Classification Criteria Version 2. Collection method: clinical testing. Allele origin: germline. Affected: yes. Observed: 2 variant alleles.
Comment: KCND3: BS1

Labcorp Genetics (formerly Invitae), Labcorp
Classification: Benign for Spinocerebellar ataxia type 19/22. Last evaluated: 2026-01-03. Review status: criteria provided, single submitter. Criteria: Invitae Variant Classification Sherloc (09022015). Collection method: clinical testing. Allele origin: germline.

Mayo Clinic Laboratories, Mayo Clinic
Classification: Likely benign. Last evaluated: 2025-05-02. Review status: criteria provided, single submitter. Criteria: ACMG Guidelines, 2015. Collection method: clinical testing. Allele origin: germline. Observed: 1 variant allele.
Comment: BS1

Blueprint Genetics
Classification: Likely benign. Last evaluated: 2022-12-01. Review status: criteria provided, single submitter. Criteria: ACMG Guidelines, 2015. Collection method: clinical testing. Allele origin: germline.

Ambry Genetics
Classification: Likely benign for Cardiovascular phenotype. Last evaluated: 2021-04-13. Review status: criteria provided, single submitter. Criteria: Ambry Variant Classification Scheme 2023. Collection method: clinical testing. Allele origin: germline.

GeneDx
Classification: Likely benign. Last evaluated: 2020-03-27. Review status: criteria provided, single submitter. Criteria: GeneDx Variant Classification Process June 2021. Collection method: clinical testing. Allele origin: germline. Affected: yes.
Comment: This variant is associated with the following publications: (PMID: 24440382)

Center for Advanced Laboratory Medicine, UC San Diego Health, University of California San Diego
Classification: Benign for Dilated cardiomyopathy. Last evaluated: 2019-06-11. Review status: criteria provided, single submitter. Criteria: ACMG Guidelines, 2015. Collection method: clinical testing. Allele origin: germline. Affected: yes. Observed: 1 variant allele.

Athena Diagnostics
Classification: Benign. Last evaluated: 2017-04-17. Review status: criteria provided, single submitter. Criteria: Athena Diagnostics Criteria. Collection method: clinical testing. Allele origin: germline.

Breakthrough Genomics
Classification: Likely benign. Review status: criteria provided, single submitter. Criteria: ACMG Guidelines, 2015. Collection method: not provided. Allele origin: germline. Inheritance: Autosomal dominant inheritance. Affected: yes.

PreventionGenetics, part of Exact Sciences
Classification: Likely benign for KCND3-related condition. Last evaluated: 2019-04-30. Review status: no assertion criteria provided. Collection method: clinical testing. Allele origin: germline. Not counted in ClinVar's aggregate classification.
Comment: This variant is classified as likely benign based on ACMG/AMP sequence variant interpretation guidelines (Richards et al. 2015 PMID: 25741868, with internal and published modifications).

Literature cited by the submitters: PubMed 24440382 (cited by Mayo Clinic Laboratories, Mayo Clinic).

NM_001378969.1(KCND3):c.1354G>A (p.Glu452Lys)

Gene: KCND3 (potassium voltage-gated channel subfamily D member 3; minus strand). Cytogenetic location: 1p13.2.
Variant type: single nucleotide variant.
Coding change: c.1354G>A on transcript NM_001378969.1 (MANE Select); coding-DNA position 1354, G replaced by A.
Protein change: p.Glu452Lys; replaces glutamic acid 452 with lysine.
Molecular consequence: missense variant.
Genome position (GRCh38, 1-based): chr1:111,780,707, C>T on the plus strand (G>A on the coding strand, the complement: KCND3 is on the minus strand). VCF-style: chr1-111780707-C-T. GRCh37 (hg19) VCF-style: chr1-112323329-C-T.
Other names: c.1354G>A, p.Glu452Lys (NM_001378970.1, NM_004980.5, NM_172198.3); short protein forms E452K.
Identifiers: ClinVar variation 447626 (VCV000447626.24), dbSNP rs200532657, ClinGen allele CA1007466.